The following is an entry in ClinVar:

NM_006269.2(RP1):c.3413T>C (p.Leu1138Pro)

Gene: RP1 (RP1 axonemal microtubule associated; plus strand). Cytogenetic location: 8q12.1.
Variant type: single nucleotide variant.
Coding change: c.3413T>C on transcript NM_006269.2 (MANE Select); coding-DNA position 3413, T replaced by C.
Protein change: p.Leu1138Pro; replaces leucine 1138 with proline.
Molecular consequence: missense variant. On other transcripts: intron variant (1).
Genome position (GRCh38, 1-based): chr8:54,627,295, T>C. VCF-style: chr8-54627295-T-C. GRCh37 (hg19) VCF-style: chr8-55539855-T-C.
Other names: c.787+5007T>C (NM_001375654.1); c.3413T>C (NM_006269.1); short protein forms L1138P.
Identifiers: ClinVar variation 1037655 (VCV001037655.10), dbSNP rs754799075, ClinGen allele CA4751685.
Genomic context (GRCh38, chr8:54,627,295, plus strand): 5'-ATTCTGCAATATGTAATTCATCCACTAATCTCCTTCTAGCTTGGCTCTTGGTGCTAAACC[T>C]AAAGGGAAGTATGAATAGCTTCTGTCAAGTTGATGCTCACAAGGCTACCAACAAATCTTC-3'
Protein context (NP_006260.1, residues 1128-1148): LLLAWLLVLN[Leu1138Pro]KGSMNSFCQV

ClinVar aggregate classification (germline): Uncertain significance. Review status: criteria provided, multiple submitters, no conflicts (2 of 4 stars). 3 submissions from 3 submitters: Uncertain significance (2). 1 of the submissions does not count toward it. Last evaluated 2025-04-07.

Conditions:
Inborn genetic diseases. Identifiers: MedGen C0950123, MeSH D030342.
RP1-related disorder. Also called: RP1-related condition.

Allele frequency attached by ClinVar (database versions not stated): gnomAD exomes 0.00001 and 0.00003; ExAC 0.00002; gnomAD 0.00003; TOPMed 0.00004.
gnomAD v4.1: 45 of 1,614,026 alleles (0.0028%); highest among the groups gnomAD compares: Non-Finnish European, 0.0036%; no homozygotes.

Submissions (3):

Labcorp Genetics (formerly Invitae), Labcorp
Classification: Uncertain significance. Last evaluated: 2025-04-07. Review status: criteria provided, single submitter. Criteria: Invitae Variant Classification Sherloc (09022015). Collection method: clinical testing. Allele origin: germline.
Comment: This sequence change replaces leucine, which is neutral and non-polar, with proline, which is neutral and non-polar, at codon 1138 of the RP1 protein (p.Leu1138Pro). This variant is present in population databases (rs754799075, gnomAD 0.003%). This variant has not been reported in the literature in individuals affected with RP1-related conditions. ClinVar contains an entry for this variant (Variation ID: 1037655). An algorithm developed to predict the effect of missense changes on protein structure and function (PolyPhen-2) suggests that this variant is likely to be disruptive. In summary, the available evidence is currently insufficient to determine the role of this variant in disease. Therefore, it has been classified as a Variant of Uncertain Significance.

Ambry Genetics
Classification: Uncertain significance for Inborn genetic diseases. Last evaluated: 2022-08-11. Review status: criteria provided, single submitter. Criteria: Ambry Variant Classification Scheme 2023. Collection method: clinical testing. Allele origin: germline.

PreventionGenetics, part of Exact Sciences
Classification: Uncertain significance for RP1-related condition. Last evaluated: 2024-09-05. Review status: no assertion criteria provided. Collection method: clinical testing. Allele origin: germline. Not counted in ClinVar's aggregate classification.
Comment: The RP1 c.3413T>C variant is predicted to result in the amino acid substitution p.Leu1138Pro. To our knowledge, this variant has not been reported in the literature. This variant is reported in 0.0028% of alleles in individuals of Latino descent in gnomAD. At this time, the clinical significance of this variant is uncertain due to the absence of conclusive functional and genetic evidence.